The following is an entry in ClinVar:

ClinVar aggregate classification (germline): Uncertain significance (1 of 4 stars; one submission).

gnomAD v4.1: 1 of 1,583,394 alleles (0.000063%); highest among the groups gnomAD compares: Non-Finnish European, 0.000087%; no homozygotes.

Submission:

Ambry Genetics
Classification: Uncertain significance. Last evaluated: 2023-03-27. Review status: criteria provided, single submitter. Criteria: Ambry Variant Classification Scheme 2023. Collection method: clinical testing. Allele origin: germline.
Comment: The p.C50S variant (also known as c.148T>A), located in coding exon 2 of the NPAT gene, results from a T to A substitution at nucleotide position 148. The cysteine at codon 50 is replaced by serine, an amino acid with dissimilar properties. This amino acid position is conserved. In addition, the in silico prediction for this alteration is inconclusive. Since supporting evidence is limited at this time, the clinical significance of this alteration remains unclear.

NM_002519.3(NPAT):c.148T>A (p.Cys50Ser)

Gene: NPAT (nuclear protein, coactivator of histone transcription; minus strand). Cytogenetic location: 11q22.3.
Variant type: single nucleotide variant.
Coding change: c.148T>A on transcript NM_002519.3 (MANE Select); coding-DNA position 148, T replaced by A.
Protein change: p.Cys50Ser; replaces cysteine 50 with serine.
Molecular consequence: missense variant.
Genome position (GRCh38, 1-based): chr11:108,197,310, A>T on the plus strand (T>A on the coding strand, the complement: NPAT is on the minus strand). VCF-style: chr11-108197310-A-T. GRCh37 (hg19) VCF-style: chr11-108068037-A-T.
Other names: c.148T>A, p.Cys50Ser (NM_001321307.1); short protein forms C50S.
Identifiers: ClinVar variation 2567961 (VCV002567961.2), dbSNP rs2496759894, ClinGen allele CA382527862.